The following is an entry in ClinVar:

ClinVar aggregate classification (germline): Uncertain significance. Review status: criteria provided, multiple submitters, no conflicts (2 of 4 stars). 5 submissions from 5 submitters: Uncertain significance (4). 1 of the submissions does not count toward it. Last evaluated 2025-11-08.

Conditions:
Cardiac arrhythmia. Also called: Arrhythmia; Cardiac rhythm disease. Identifiers: MedGen C0003811, MONDO:0007263, HP:0011675.
Familial long QT syndrome (RWS). Also called: Congenital long QT syndrome; Romano-Ward syndrome; VENTRICULAR FIBRILLATION WITH PROLONGED QT INTERVAL. Identifiers: Orphanet 768, MedGen C1141890, MONDO:0019171.
Short QT syndrome type 1. Identifiers: Orphanet 51083, MedGen C1865020, MONDO:0012312, OMIM 609620.
Long QT syndrome 2 (LQT2). Identifiers: Orphanet 101016, Orphanet 768, MedGen C3150943, MONDO:0013367, OMIM 613688.
Long QT syndrome (LQTS). Identifiers: MedGen C0023976, MeSH D008133, MONDO:0002442. Disease mechanism: loss of function. Inheritance: Various modes of inheritance.

Allele frequency attached by ClinVar (database versions not stated): gnomAD exomes below 0.00001 and 0.00003; gnomAD 0.00002; TOPMed 0.00002.
gnomAD v4.1: 56 of 1,609,706 alleles (0.0035%); highest among the groups gnomAD compares: Non-Finnish European, 0.004%; no homozygotes.

Submissions (5):

Labcorp Genetics (formerly Invitae), Labcorp
Classification: Uncertain significance for Long QT syndrome. Last evaluated: 2025-11-08. Review status: criteria provided, single submitter. Criteria: Invitae Variant Classification Sherloc (09022015). Collection method: clinical testing. Allele origin: germline.
Comment: This sequence change replaces tyrosine, which is neutral and polar, with cysteine, which is neutral and slightly polar, at codon 1078 of the KCNH2 protein (p.Tyr1078Cys). This variant is present in population databases (rs199473029, gnomAD 0.002%). This missense change has been observed in individual(s) with KCNH2-related conditions (PMID: 19716085). ClinVar contains an entry for this variant (Variation ID: 67483). An algorithm developed to predict the effect of missense changes on protein structure and function (PolyPhen-2) suggests that this variant is likely to be disruptive. Experimental studies have shown that this missense change does not substantially affect KCNH2 function (PMID: 19841300, 25348405, 25417810). In summary, the available evidence is currently insufficient to determine the role of this variant in disease. Therefore, it has been classified as a Variant of Uncertain Significance.

Color Diagnostics, LLC DBA Color Health
Classification: Uncertain significance for Cardiac arrhythmia. Last evaluated: 2025-06-19. Review status: criteria provided, single submitter. Criteria: ACMG Guidelines, 2015. Collection method: clinical testing. Allele origin: germline.
Comment: This missense variant replaces tyrosine with cysteine at codon 1078 of the KCNH2 protein. This variant is located within the conserved C-terminal cytoplasmic (aa 660-1159) of the KCNH2 protein. Rare non-truncating variants in this region have been shown to be significantly overrepresented in individuals with long QT syndrome (PMID: 32893267). Computational prediction suggests that this variant may have a deleterious impact on protein structure and function. An in vitro functional study has shown that this variant does not impact trafficking (PMID: 25417810. This variant has been reported in an individual suspected to be affected with long QT syndrome (PMID: 19716085) and in an individual affected with childhood epilepsy (PMID: 31440721). This variant has been identified in 2/280692 chromosomes in the general population by the Genome Aggregation Database (gnomAD). The available evidence is insufficient to determine the role of this variant in disease conclusively. Therefore, this variant is classified as a Variant of Uncertain Significance.

Fulgent Genetics
Classification: Uncertain significance for Short QT syndrome type 1; Long QT syndrome 2. Last evaluated: 2021-11-12. Review status: criteria provided, single submitter. Criteria: ACMG Guidelines, 2015. Collection method: clinical testing. Allele origin: unknown.

Laboratory for Molecular Medicine, Mass General Brigham Personalized Medicine
Classification: Uncertain significance. Last evaluated: 2016-07-26. Review status: criteria provided, single submitter. Criteria: LMM Criteria. Collection method: clinical testing. Allele origin: germline.
Comment: Variant identified in a genome or exome case(s) and assessed due to predicted null impact of the variant or pathogenic assertions in the literature or databases. Disclaimer: This variant has not undergone full assessment. The following are preliminary notes: Reported in 1 LQT proband (PMID 19716085), functional study (PMID 25417810) shows this variant does not impact trafficking

Cardiovascular Biomedical Research Unit, Royal Brompton & Harefield NHS Foundation Trust
No classification provided. Condition: Familial long QT syndrome. Review status: no classification provided. Collection method: literature only. Allele origin: germline. Not counted in ClinVar's aggregate classification.
Comment: This variant has been reported as associated with Long QT syndrome in the following publications (PMID:19716085). This is a literature report, and does not necessarily reflect the clinical interpretation of the Imperial College / Royal Brompton Cardiovascular Genetics laboratory.

Literature cited by the submitters: PubMed 19716085 (cited by 3 submitters); PubMed 19841300 (cited by Labcorp Genetics (formerly Invitae), Labcorp); PubMed 25348405 (cited by Labcorp Genetics (formerly Invitae), Labcorp); PubMed 25417810 (cited by Labcorp Genetics (formerly Invitae), Labcorp); PubMed 31440721 (cited by Color Diagnostics, LLC DBA Color Health); PubMed 32893267 (cited by Color Diagnostics, LLC DBA Color Health); PubMed 22581653 (cited by Cardiovascular Biomedical Research Unit, Royal Brompton & Harefield NHS Foundation Trust).

NM_000238.4(KCNH2):c.3233A>G (p.Tyr1078Cys)

Gene: KCNH2 (potassium voltage-gated channel subfamily H member 2; minus strand). Cytogenetic location: 7q36.1.
Variant type: single nucleotide variant.
Coding change: c.3233A>G on transcript NM_000238.4 (MANE Select); coding-DNA position 3233, A replaced by G.
Protein change: p.Tyr1078Cys; replaces tyrosine 1078 with cysteine.
Molecular consequence: missense variant.
Genome position (GRCh38, 1-based): chr7:150,946,974, T>C on the plus strand (A>G on the coding strand, the complement: KCNH2 is on the minus strand). VCF-style: chr7-150946974-T-C. GRCh37 (hg19) VCF-style: chr7-150644062-T-C.
Other names: c.3233A>G (LRG_288t1); c.2213A>G, p.Tyr738Cys (NM_172057.3); short protein forms Y1078C, Y738C.
Identifiers: ClinVar variation 67483 (VCV000067483.11), dbSNP rs199473029, ClinGen allele CA008132.
Genomic context (GRCh38, chr7:150,946,974, plus strand): 5'-CTGACGGGCAACAGCGGGGATGTGGAAGTGGGGCCAGGCCCCGGGGTGGTCACAGCACTG[T>C]AGGCGGGCGGGACCAGCGTCATCTGCCTCTGTAGCAGCTGCAGGACAGTGGCCATGTCTG-3'
Protein context (NP_000229.1, residues 1068-1088): QRQMTLVPPA[Tyr1078Cys]SAVTTPGPGP